The following is an entry in ClinVar:

ClinVar aggregate classification (germline): Likely pathogenic (1 of 4 stars; one submission).

Conditions:
Hemochromatosis type 2A (HFE2A). Also called: HJV (HFE2)-Related Juvenile Hemochromatosis; Adult-Onset Hemochromatosis. Identifiers: Orphanet 79230, MedGen C1865614, MONDO:0011216, OMIM 602390.

gnomAD v4.1: 1 of 1,614,088 alleles (0.000062%); no homozygotes.

Submission:

Natera, Inc.
Classification: Likely pathogenic for Hemochromatosis type 2A. Last evaluated: 2025-01-22. Review status: criteria provided, single submitter. Criteria: Natera Variant Classification Schema (03/2026). Collection method: clinical testing. Allele origin: germline.
Comment: The c.658-1G>A variant in HJV is a canonical splice acceptor site variant predicted to affect pre-mRNA splicing, which may result in an abnormal transcript and altered protein product. This variant is expected to result in nonsense mediated decay, truncation, or a dysfunctional protein product. This variant is rare in the general population with a frequency below the threshold expected for the associated phenotype(s). Given the available evidence, this variant is classified as Likely Pathogenic.

NM_213653.4(HJV):c.658-1G>A

Gene: HJV (hemojuvelin BMP co-receptor; minus strand). Cytogenetic location: 1q21.1.
Variant type: single nucleotide variant.
Coding change: c.658-1G>A on transcript NM_213653.4 (MANE Select); the canonical splice acceptor site of the intron before coding-DNA position 658, G replaced by A.
Molecular consequence: splice acceptor variant.
Genome position (GRCh38, 1-based): chr1:146,018,701, C>T on the plus strand (G>A on the coding strand, the complement: HJV is on the minus strand). VCF-style: chr1-146018701-C-T. GRCh37 (hg19) VCF-style: chr1-145416312-G-A.
Other names: c.-21-1G>A (NM_213652.4, NM_202004.4, NM_001316767.2); c.319-1G>A (NM_145277.5); c.658-1G>A (NM_001379352.1).
Identifiers: ClinVar variation 4069267 (VCV004069267.2).